The following is an entry in ClinVar:

NM_000540.3(RYR1):c.13151C>T (p.Pro4384Leu)

Gene: RYR1 (ryanodine receptor 1; plus strand). Cytogenetic location: 19q13.2.
Variant type: single nucleotide variant.
Coding change: c.13151C>T on transcript NM_000540.3 (MANE Select); coding-DNA position 13151, C replaced by T.
Protein change: p.Pro4384Leu; replaces proline 4384 with leucine.
Molecular consequence: missense variant.
Genome position (GRCh38, 1-based): chr19:38,565,485, C>T. VCF-style: chr19-38565485-C-T. GRCh37 (hg19) VCF-style: chr19-39056125-C-T.
Other names: c.13136C>T, p.Pro4379Leu (NM_001042723.2); short protein forms P4379L, P4384L.
Identifiers: ClinVar variation 1479239 (VCV001479239.5), dbSNP rs2145846123, ClinGen allele CA405673743.

ClinVar aggregate classification (germline): Uncertain significance (1 of 4 stars; one submission).

Conditions:
RYR1-related disorder. Also called: RYR1-related condition; RYR1-related disorders. Identifiers: MedGen CN239331.

Allele frequency attached by ClinVar (database versions not stated): gnomAD exomes below 0.00001.
gnomAD v4.1: 1 of 1,505,618 alleles (0.000066%); highest among the groups gnomAD compares: Non-Finnish European, 0.000088%; no homozygotes.

Submission:

Labcorp Genetics (formerly Invitae), Labcorp
Classification: Uncertain significance for RYR1-related disorder. Last evaluated: 2021-08-26. Review status: criteria provided, single submitter. Criteria: Invitae Variant Classification Sherloc (09022015). Collection method: clinical testing. Allele origin: germline.
Comment: This sequence change replaces proline with leucine at codon 4384 of the RYR1 protein (p.Pro4384Leu). The proline residue is moderately conserved and there is a moderate physicochemical difference between proline and leucine. The frequency data for this variant in the population databases is considered unreliable, as metrics indicate insufficient coverage at this position in the ExAC database. This variant has not been reported in the literature in individuals affected with RYR1-related conditions. Advanced modeling of protein sequence and biophysical properties (such as structural, functional, and spatial information, amino acid conservation, physicochemical variation, residue mobility, and thermodynamic stability) performed at Invitae indicates that this missense variant is not expected to disrupt RYR1 protein function. In summary, the available evidence is currently insufficient to determine the role of this variant in disease. Therefore, it has been classified as a Variant of Uncertain Significance.